The following is an entry in ClinVar:

NM_004415.4(DSP):c.1323G>C (p.Lys441Asn)

Gene: DSP (desmoplakin; plus strand). Cytogenetic location: 6p24.3.
Variant type: single nucleotide variant.
Coding change: c.1323G>C on transcript NM_004415.4 (MANE Select); coding-DNA position 1323, G replaced by C.
Protein change: p.Lys441Asn; replaces lysine 441 with asparagine.
Molecular consequence: missense variant.
Genome position (GRCh38, 1-based): chr6:7,568,493, G>C. VCF-style: chr6-7568493-G-C. GRCh37 (hg19) VCF-style: chr6-7568726-G-C.
Other names: c.1323G>C (LRG_423t1); c.1323G>C, p.Lys441Asn (NM_001008844.3, NM_001319034.2); short protein forms K441N.
Identifiers: ClinVar variation 432554 (VCV000432554.21), dbSNP rs1037212969, ClinGen allele CA133956074.

ClinVar aggregate classification (germline): Conflicting classifications of pathogenicity. Review status: criteria provided, conflicting classifications (1 of 4 stars). 6 submissions from 6 submitters: Uncertain significance (4); Likely benign (2). Last evaluated 2026-04-23.

Conditions:
Woolly hair-skin fragility syndrome (WHSF). Identifiers: Orphanet 293165, MedGen C1843292, MONDO:0957307, OMIM 620415.
Lethal acantholytic epidermolysis bullosa (EBLA). Identifiers: Orphanet 158687, MedGen C1864826, MONDO:0012323, OMIM 609638.
Keratosis palmoplantaris striata 2. Also called: Keratosis palmoplantaris striata II; KERATODERMA, PALMOPLANTAR, STRIATE FORM II; STRIATE PALMOPLANTAR KERATODERMA II. Identifiers: MedGen C1852127, MONDO:0013034, OMIM 612908.
Cardiomyopathy, dilated, with wooly hair, keratoderma, and tooth agenesis. Also called: Erythrokeratodermia-cardiomyopathy syndrome; Cardiomyopathy, dilated, with woolly hair, keratoderma, and tooth agenesis. Identifiers: Orphanet 476096, Orphanet 65282, MedGen C4014393, MONDO:0014355, OMIM 615821.
Arrhythmogenic cardiomyopathy with wooly hair and keratoderma. Also called: PALMOPLANTAR KERATODERMA WITH LEFT VENTRICULAR CARDIOMYOPATHY AND WOOLLY HAIR; Dilated cardiomyopathy with woolly hair and keratoderma; Carvajal syndrome; Arrhythmogenic cardiomyopathy with woolly hair and keratoderma. Identifiers: Orphanet 65282, MedGen C1854063, MONDO:0011581, OMIM 605676.
Arrhythmogenic right ventricular dysplasia 8 (ARVD8). Also called: Arrhythmogenic Right Ventricular Dysplasia/Cardiomyopathy 8; ARRHYTHMOGENIC RIGHT VENTRICULAR CARDIOMYOPATHY 8; ARRHYTHMOGENIC RIGHT VENTRICULAR DYSPLASIA, FAMILIAL, 8. Identifiers: MedGen C1843896, MONDO:0011831, OMIM 607450.
Cardiovascular phenotype. Identifiers: MedGen CN230736.
Cardiomyopathy (CMYO). Also called: Cardiomyopathies. Identifiers: Orphanet 167848, MedGen C0878544, MONDO:0004994, HP:0001638. Inheritance: Various modes of inheritance.

Allele frequency attached by ClinVar (database versions not stated): TOPMed 0.00005; gnomAD exomes 0.00001; gnomAD 0.00001.
gnomAD v4.1: 21 of 1,614,016 alleles (0.0013%); highest among the groups gnomAD compares: Admixed American, 0.005%; no homozygotes.

Submissions (6):

Ambry Genetics
Classification: Uncertain significance for Cardiovascular phenotype. Last evaluated: 2026-04-23. Review status: criteria provided, single submitter. Criteria: Ambry Variant Classification Scheme 2023. Collection method: clinical testing. Allele origin: germline.

Labcorp Genetics (formerly Invitae), Labcorp
Classification: Likely benign for Arrhythmogenic cardiomyopathy with wooly hair and keratoderma; Arrhythmogenic right ventricular dysplasia 8. Last evaluated: 2025-03-05. Review status: criteria provided, single submitter. Criteria: Invitae Variant Classification Sherloc (09022015). Collection method: clinical testing. Allele origin: germline.

Color Diagnostics, LLC DBA Color Health
Classification: Likely benign for Cardiomyopathy. Last evaluated: 2025-03-03. Review status: criteria provided, single submitter. Criteria: ACMG Guidelines, 2015. Collection method: clinical testing. Allele origin: germline.

All of Us Research Program, National Institutes of Health
Classification: Uncertain significance for Arrhythmogenic cardiomyopathy with wooly hair and keratoderma. Last evaluated: 2024-04-16. Review status: criteria provided, single submitter. Criteria: ACMG Guidelines, 2015. Collection method: clinical testing. Allele origin: germline. Inheritance: Autosomal dominant inheritance. Observed: 5 variant alleles, 5 heterozygotes.
Comment: This missense variant replaces lysine with asparagine at codon 441 of the DSP protein. Computational prediction suggests that this variant may not impact protein structure and function (internally defined REVEL score threshold <= 0.5, PMID: 27666373). To our knowledge, functional studies have not been reported for this variant. This variant has been reported in an individual affected with arrhythmogenic cardiomyopathy, who also carried a pathogenic splicing variant in the PKP2 gene that could explain the observed phenotype (PMID: 26099957). This variant has been identified in 5/282688 chromosomes in the general population by the Genome Aggregation Database (gnomAD). The available evidence is insufficient to determine the role of this variant in disease conclusively. Therefore, this variant is classified as a Variant of Uncertain Significance.

This study involves interpretation of variants in research participants for the purpose of population health screening. Participant phenotype was not available at the time of variant classification. Additional details can be found in publication PMID: 35346344, PMCID: PMC8962531

Fulgent Genetics
Classification: Uncertain significance for Arrhythmogenic cardiomyopathy with wooly hair and keratoderma; Arrhythmogenic right ventricular dysplasia 8; Lethal acantholytic epidermolysis bullosa; Keratosis palmoplantaris striata 2; Cardiomyopathy, dilated, with wooly hair, keratoderma, and tooth agenesis. Last evaluated: 2021-08-05. Review status: criteria provided, single submitter. Criteria: ACMG Guidelines, 2015. Collection method: clinical testing. Allele origin: unknown.

GeneDx
Classification: Uncertain significance. Last evaluated: 2017-06-07. Review status: criteria provided, single submitter. Criteria: GeneDx Variant Classification (06012015). Collection method: clinical testing. Allele origin: germline. Affected: yes.
Comment: The K441N variant of uncertain significance in the DSP gene has been reported in one individual who also harbored the c.2146-1 G>C pathogenic variant in the PKP2 gene (Abrams et al., 2015), though no segregation data is available to determine of the K441N variant in the DSP gene independently segregated with disease. This variant was not observed in large population cohorts (Lek et al., 2016; 1000 Genomes Consortium et al., 2015; Exome Variant Server), indicating it is not a common benign variant. The K441N variant is a semi-conservative amino acid substitution, which may impact secondary protein structure as these residues differ in some properties. Moreover, this substitution occurs at a position that is highly conserved across species and in silico analysis predicts this variant is probably damaging to the protein structure/function. Thus, this variant lacks observation in a significant number of affected individuals, segregation data, and functional evidence, which would further clarify its pathogenicity. Therefore, based on the currently available information, it is unclear whether this variant is pathogenic or rare benign.

Literature cited by the submitters: PubMed 26099957 (cited by All of Us Research Program, National Institutes of Health).